The following is an entry in ClinVar:

NM_207581.4(DUOXA2):c.719C>A (p.Ser240Tyr)

Gene: DUOXA2 (dual oxidase maturation factor 2; plus strand). Cytogenetic location: 15q21.1.
Variant type: single nucleotide variant.
Coding change: c.719C>A on transcript NM_207581.4 (MANE Select); coding-DNA position 719, C replaced by A.
Protein change: p.Ser240Tyr; replaces serine 240 with tyrosine.
Molecular consequence: missense variant.
Genome position (GRCh38, 1-based): chr15:45,117,255, C>A. VCF-style: chr15-45117255-C-A. GRCh37 (hg19) VCF-style: chr15-45409453-C-A.
Other names: short protein forms S240Y.
Identifiers: ClinVar variation 725086 (VCV000725086.8), dbSNP rs767104514, ClinGen allele CA7539500.

ClinVar aggregate classification (germline): Conflicting classifications of pathogenicity. Review status: criteria provided, conflicting classifications (1 of 4 stars). 4 submissions from 4 submitters: Uncertain significance (2); Likely benign (1). 1 of the submissions does not count toward it. Last evaluated 2024-04-12.

Conditions:
Inborn genetic diseases. Identifiers: MedGen C0950123, MeSH D030342.
DUOXA2-related disorder. Also called: DUOXA2-related condition.

Allele frequency attached by ClinVar (database versions not stated): gnomAD exomes 0.00006 and 0.00029; gnomAD 0.00010; TOPMed 0.00011; ExAC 0.00030.
gnomAD v4.1: 88 of 1,609,820 alleles (0.0055%); highest among the groups gnomAD compares: Admixed American, 0.14%; 1 homozygote.

Submissions (4):

Women's Health and Genetics/Laboratory Corporation of America, LabCorp
Classification: Uncertain significance. Last evaluated: 2024-04-12. Review status: criteria provided, single submitter. Criteria: LabCorp Variant Classification Summary - May 2015. Collection method: clinical testing. Allele origin: germline.
Comment: Variant summary: DUOXA2 c.719C>A (p.Ser240Tyr) results in a non-conservative amino acid change in the encoded protein sequence. Three of five in-silico tools predict a damaging effect of the variant on protein function. The variant allele was found at a frequency of 0.00029 in 242178 control chromosomes, predominantly at a frequency of 0.002 within the Latino subpopulation in the gnomAD database, including 1 homozygotes. To our knowledge, no occurrence of c.719C>A in individuals affected with Thyroglobulin synthesis defect and no experimental evidence demonstrating its impact on protein function have been reported. ClinVar contains an entry for this variant (Variation ID: 725086). Based on the evidence outlined above, the variant was classified as VUS-possibly benign.

Ambry Genetics
Classification: Uncertain significance for Inborn genetic diseases. Last evaluated: 2021-06-24. Review status: criteria provided, single submitter. Criteria: Ambry Variant Classification Scheme 2023. Collection method: clinical testing. Allele origin: germline.

Labcorp Genetics (formerly Invitae), Labcorp
Classification: Likely benign. Last evaluated: 2018-06-01. Review status: criteria provided, single submitter. Criteria: Invitae Variant Classification Sherloc (09022015). Collection method: clinical testing. Allele origin: germline.

PreventionGenetics, part of Exact Sciences
Classification: Likely benign for DUOXA2-related condition. Last evaluated: 2022-03-03. Review status: no assertion criteria provided. Collection method: clinical testing. Allele origin: germline. Not counted in ClinVar's aggregate classification.
Comment: This variant is classified as likely benign based on ACMG/AMP sequence variant interpretation guidelines (Richards et al. 2015 PMID: 25741868, with internal and published modifications).